The following is an entry in ClinVar:

ClinVar aggregate classification (germline): Uncertain significance. Review status: criteria provided, multiple submitters, no conflicts (2 of 4 stars). 3 submissions from 3 submitters: Uncertain significance (3). Last evaluated 2023-10-11.

Submissions (3):

Blueprint Genetics
Classification: Uncertain significance. Last evaluated: 2023-10-11. Review status: criteria provided, single submitter. Criteria: ACMG Guidelines, 2015. Collection method: clinical testing. Allele origin: germline.

Women's Health and Genetics/Laboratory Corporation of America, LabCorp
Classification: Uncertain significance. Last evaluated: 2021-08-28. Review status: criteria provided, single submitter. Criteria: LabCorp Variant Classification Summary - May 2015. Collection method: clinical testing. Allele origin: germline.
Comment: Variant summary: LZTR1 c.584G>A (p.Gly195Asp) results in a non-conservative amino acid change in the encoded protein sequence. Five of five in-silico tools predict a damaging effect of the variant on protein function. The variant was absent in 251132 control chromosomes. The available data on variant occurrences in the general population are insufficient to allow any conclusion about variant significance. To our knowledge, no occurrence of c.584G>A in individuals affected with Noonan Syndrome and no experimental evidence demonstrating its impact on protein function have been reported. One clinical diagnostic laboratory has submitted clinical-significance assessments for this variant to ClinVar after 2014 without evidence for independent evaluation and classified the variant as uncertain significance. Based on the evidence outlined above, the variant was classified as uncertain significance.

GeneDx
Classification: Uncertain significance. Last evaluated: 2017-12-12. Review status: criteria provided, single submitter. Criteria: GeneDx Variant Classification (06012015). Collection method: clinical testing. Allele origin: germline. Affected: yes.
Comment: The G195D variant has not been published as a pathogenic variant, nor has it been reported as a benign variant to our knowledge. The G195D variant is not observed in large population cohorts (Lek et al., 2016). The G195D variant is a non-conservative amino acid substitution, which is likely to impact secondary protein structure as these residues differ in polarity, charge, size and/or other properties. In-silico analyses, including protein predictors and evolutionary conservation, support a deleterious effect. A likely pathogenic missense variant in a nearby residue (L199F) has been observed at GeneDx. In summary, based on the currently available information, it is unclear whether this variant is a pathogenic variant or a rare benign variant.

NM_006767.4(LZTR1):c.584G>A (p.Gly195Asp)

Gene: LZTR1 (leucine zipper like post translational regulator 1; plus strand). Cytogenetic location: 22q11.21.
Variant type: single nucleotide variant.
Coding change: c.584G>A on transcript NM_006767.4 (MANE Select); coding-DNA position 584, G replaced by A.
Protein change: p.Gly195Asp; replaces glycine 195 with aspartic acid.
Molecular consequence: missense variant.
Genome position (GRCh38, 1-based): chr22:20,988,863, G>A. VCF-style: chr22-20988863-G-A. GRCh37 (hg19) VCF-style: chr22-21343152-G-A.
Other names: short protein forms G195D.
Identifiers: ClinVar variation 561709 (VCV000561709.3), dbSNP rs777756228, ClinGen allele CA410780234.